The following is an entry in ClinVar:

ClinVar aggregate classification (germline): Uncertain significance (1 of 4 stars; one submission).

Conditions:
Neurodevelopmental disorder with or without hyperkinetic movements and seizures, autosomal dominant. Also called: Intellectual disability, autosomal dominant 8. Identifiers: MedGen C3280282, MONDO:0013655, OMIM 614254.

Submission:

Labcorp Genetics (formerly Invitae), Labcorp
Classification: Uncertain significance for Neurodevelopmental disorder with or without hyperkinetic movements and seizures, autosomal dominant. Last evaluated: 2024-09-17. Review status: criteria provided, single submitter. Criteria: Invitae Variant Classification Sherloc (09022015). Collection method: clinical testing. Allele origin: germline.
Comment: This sequence change replaces arginine, which is basic and polar, with cysteine, which is neutral and slightly polar, at codon 156 of the GRIN1 protein (p.Arg156Cys). This variant is present in population databases (no rsID available, gnomAD 0.06%). This variant has not been reported in the literature in individuals affected with GRIN1-related conditions. Invitae Evidence Modeling of protein sequence and biophysical properties (such as structural, functional, and spatial information, amino acid conservation, physicochemical variation, residue mobility, and thermodynamic stability) has been performed for this missense variant. However, the output from this modeling did not meet the statistical confidence thresholds required to predict the impact of this variant on GRIN1 protein function. In summary, the available evidence is currently insufficient to determine the role of this variant in disease. Therefore, it has been classified as a Variant of Uncertain Significance.

NM_007327.4(GRIN1):c.466C>T (p.Arg156Cys)

Gene: GRIN1 (glutamate ionotropic receptor NMDA type subunit 1; plus strand). Cytogenetic location: 9q34.3.
Variant type: single nucleotide variant.
Coding change: c.466C>T on transcript NM_007327.4 (MANE Select); coding-DNA position 466, C replaced by T.
Protein change: p.Arg156Cys; replaces arginine 156 with cysteine.
Molecular consequence: missense variant.
Genome position (GRCh38, 1-based): chr9:137,145,798, C>T. VCF-style: chr9-137145798-C-T. GRCh37 (hg19) VCF-style: chr9-140040250-C-T.
Other names: c.466C>T, p.Arg156Cys (NM_000832.7, NM_001185090.2, NM_001185091.2 and 1 more transcripts); short protein forms R156C.
Identifiers: ClinVar variation 3681229 (VCV003681229.2).